The following is an entry in ClinVar:

ClinVar aggregate classification (germline): Uncertain significance (1 of 4 stars; one submission).

Conditions:
Epileptic encephalopathy. Identifiers: MedGen C0543888, HP:0200134.

Submission:

Labcorp Genetics (formerly Invitae), Labcorp
Classification: Uncertain significance for Epileptic encephalopathy. Last evaluated: 2020-01-29. Review status: criteria provided, single submitter. Criteria: Invitae Variant Classification Sherloc (09022015). Collection method: clinical testing. Allele origin: germline.
Comment: In summary, the available evidence is currently insufficient to determine the role of this variant in disease. Therefore, it has been classified as a Variant of Uncertain Significance. Algorithms developed to predict the effect of missense changes on protein structure and function are either unavailable or do not agree on the potential impact of this missense change (SIFT: "Deleterious"; PolyPhen-2: "Probably Damaging"; Align-GVGD: "Class C0"). This variant has not been reported in the literature in individuals with GABBR2-related conditions. This variant is not present in population databases (ExAC no frequency). This sequence change replaces serine with arginine at codon 924 of the GABBR2 protein (p.Ser924Arg). The serine residue is highly conserved and there is a moderate physicochemical difference between serine and arginine.

NM_005458.8(GABBR2):c.2772C>G (p.Ser924Arg)

Gene: GABBR2 (gamma-aminobutyric acid type B receptor subunit 2; minus strand). Cytogenetic location: 9q22.33.
Variant type: single nucleotide variant.
Coding change: c.2772C>G on transcript NM_005458.8 (MANE Select); coding-DNA position 2772, C replaced by G.
Protein change: p.Ser924Arg; replaces serine 924 with arginine.
Molecular consequence: missense variant.
Genome position (GRCh38, 1-based): chr9:98,290,638, G>C on the plus strand (C>G on the coding strand, the complement: GABBR2 is on the minus strand). VCF-style: chr9-98290638-G-C. GRCh37 (hg19) VCF-style: chr9-101052920-G-C.
Other names: short protein forms S924R.
Identifiers: ClinVar variation 1053284 (VCV001053284.9), dbSNP rs767723805, ClinGen allele CA374209334.